The following is an entry in ClinVar:

NM_001042492.3(NF1):c.6705-14T>G

Gene: NF1 (neurofibromin 1; plus strand). Cytogenetic location: 17q11.2.
Variant type: single nucleotide variant.
Coding change: c.6705-14T>G on transcript NM_001042492.3 (MANE Select); 14 bases into the intron before coding-DNA position 6705, T replaced by G.
Molecular consequence: intron variant.
Genome position (GRCh38, 1-based): chr17:31,338,011, T>G. VCF-style: chr17-31338011-T-G. GRCh37 (hg19) VCF-style: chr17-29665029-T-G.
Other names: c.6642-14T>G (NM_000267.4).
Identifiers: ClinVar variation 2813723 (VCV002813723.3), dbSNP rs2151557984, ClinGen allele CA2739267431.

ClinVar aggregate classification (germline): Uncertain significance (1 of 4 stars; one submission).

Conditions:
Neurofibromatosis, type 1 (NF1). Also called: NEUROFIBROMATOSIS, TYPE I, SOMATIC; Peripheral type neurofibromatosis; VON RECKLINGHAUSEN DISEASE; Neurofibromatosis, type I. Identifiers: Orphanet 636, MedGen C0027831, MONDO:0018975, OMIM 162200. Disease mechanism: loss of function.

Submission:

Labcorp Genetics (formerly Invitae), Labcorp
Classification: Uncertain significance for Neurofibromatosis, type 1. Last evaluated: 2022-11-12. Review status: criteria provided, single submitter. Criteria: Invitae Variant Classification Sherloc (09022015). Collection method: clinical testing. Allele origin: germline.
Comment: This sequence change falls in intron 43 of the NF1 gene. It does not directly change the encoded amino acid sequence of the NF1 protein. This variant is not present in population databases (gnomAD no frequency). This variant has not been reported in the literature in individuals affected with NF1-related conditions. Algorithms developed to predict the effect of sequence changes on RNA splicing suggest that this variant may disrupt the consensus splice site. In summary, the available evidence is currently insufficient to determine the role of this variant in disease. Therefore, it has been classified as a Variant of Uncertain Significance.